The following is an entry in ClinVar:

NM_014856.3(DENND4B):c.2704CAG[16] (p.Gln910_Glu911insGlnGlnGlnGlnGlnGlnGln)

Gene: DENND4B (DENN domain containing 4B; minus strand). Cytogenetic location: 1q21.3.
Variant type: Microsatellite.
Coding change: c.2704CAG[16] on transcript NM_014856.3 (MANE Select); 16 copies in a row of the 3-base unit CAG starting at c.2704; the reference has nine copies in a row; seven copies, 21 bases duplicated.
Protein change: p.Gln910_Glu911insGlnGlnGlnGlnGlnGlnGln.
Genome position (GRCh38, 1-based): chr1:153,934,803-153,934,823, CTGCTGCTGCTGCTGCTGCTG duplicated on the plus strand (CAGCAGCAGCAGCAGCAGCAG on the coding strand, the reverse complement: DENND4B is on the minus strand); duplicating any 21 consecutive bases within chr1:153,934,803-153,934,829 gives the same sequence; the position shown is the placement nearest the transcript's 3' end. VCF-style (leftmost placement, unchanged base first): chr1-153934802-C-CCTGCTGCTGCTGCTGCTGCTG. GRCh37 (hg19) VCF-style: chr1-153907278-C-CCTGCTGCTGCTGCTGCTGCTG.
Other names: c.2737CAG[16], p.Gln921_Glu922insGlnGlnGlnGlnGlnGlnGln (NM_001367466.1).
Identifiers: ClinVar variation 3061201 (VCV003061201.2), dbSNP rs3835302, ClinGen allele CA889537260.

ClinVar aggregate classification (germline): Uncertain significance (0 of 4 stars; one submission).

Conditions:
DENND4B-related disorder. Also called: DENND4B-related condition.

Submission:

PreventionGenetics, part of Exact Sciences
Classification: Uncertain significance for DENND4B-related condition. Last evaluated: 2024-01-19. Review status: no assertion criteria provided. Collection method: clinical testing. Allele origin: germline.
Comment: The DENND4B c.2710_2730dup21 variant is predicted to result in an in-frame duplication (p.Gln904_Gln910dup). To our knowledge, this variant has not been reported in the literature or in a large population database, indicating this variant is rare. At this time, the clinical significance of this variant is uncertain due to the absence of conclusive functional and genetic evidence.